The following is an entry in ClinVar:

ClinVar aggregate classification (germline): Likely pathogenic. Review status: criteria provided, multiple submitters, no conflicts (2 of 4 stars). 2 submissions from 2 submitters: Likely pathogenic (2). Last evaluated 2023-03-07.

Conditions:
Developmental and epileptic encephalopathy, 11 (DEE11). Also called: Early infantile epileptic encephalopathy 11. Identifiers: Orphanet 1934, MedGen C3150987, MONDO:0013388, OMIM 613721.
Seizures, benign familial infantile, 3 (BFIS3). Also called: Familial neonatal seizures; CONVULSIONS, BENIGN FAMILIAL INFANTILE, 3. Identifiers: Orphanet 140927, Orphanet 306, MedGen C1843140, MONDO:0011904, OMIM 607745.
Inborn genetic diseases. Identifiers: MedGen C0950123, MeSH D030342.

Submissions (2):

Ambry Genetics
Classification: Likely pathogenic for Inborn genetic diseases. Last evaluated: 2023-03-07. Review status: criteria provided, single submitter. Criteria: Ambry Variant Classification Scheme 2023. Collection method: clinical testing. Allele origin: germline.
Comment: The c.629T>A (p.L210Q) alteration is located in exon 6 (coding exon 5) of the SCN2A gene. This alteration results from a T to A substitution at nucleotide position 629, causing the leucine (L) at amino acid position 210 to be replaced by a glutamine (Q). This variant was not reported in population-based cohorts in the Genome Aggregation Database (gnomAD). This amino acid position is highly conserved in available vertebrate species. This alteration is predicted to be deleterious by in silico analysis. Based on the available evidence, this alteration is classified as likely pathogenic.

Labcorp Genetics (formerly Invitae), Labcorp
Classification: Likely pathogenic for Seizures, benign familial infantile, 3; Developmental and epileptic encephalopathy, 11. Last evaluated: 2019-09-09. Review status: criteria provided, single submitter. Criteria: Invitae Variant Classification Sherloc (09022015). Collection method: clinical testing. Allele origin: germline.
Comment: In summary, the currently available evidence indicates that the variant is pathogenic, but additional data are needed to prove that conclusively. Therefore, this variant has been classified as Likely Pathogenic. Algorithms developed to predict the effect of sequence changes on RNA splicing suggest that this variant may create or strengthen a splice site, but this prediction has not been confirmed by published transcriptional studies. Algorithms developed to predict the effect of missense changes on protein structure and function are either unavailable or do not agree on the potential impact of this missense change (SIFT: "Deleterious"; PolyPhen-2: "Probably Damaging"; Align-GVGD: "Class C0"). This variant has been observed in individual(s) with clinical features of early infantile epileptic encephalopathy (Invitae). In at least one individual the variant was observed to be de novo. This variant is not present in population databases (ExAC no frequency). This sequence change replaces leucine with glutamine at codon 210 of the SCN2A protein (p.Leu210Gln). The leucine residue is highly conserved and there is a moderate physicochemical difference between leucine and glutamine.

NM_001040142.2(SCN2A):c.629T>A (p.Leu210Gln)

Gene: SCN2A (sodium voltage-gated channel alpha subunit 2; plus strand). Cytogenetic location: 2q24.3.
Variant type: single nucleotide variant.
Coding change: c.629T>A on transcript NM_001040142.2 (MANE Select); coding-DNA position 629, T replaced by A.
Protein change: p.Leu210Gln; replaces leucine 210 with glutamine.
Molecular consequence: missense variant. On other transcripts: intron variant (2).
Genome position (GRCh38, 1-based): chr2:165,309,375, T>A. VCF-style: chr2-165309375-T-A. GRCh37 (hg19) VCF-style: chr2-166165885-T-A.
Other names: c.629T>A, p.Leu210Gln (NM_001371247.1, NM_021007.3); c.697+119T>A (NM_001040143.2, NM_001371246.1); short protein forms L210Q.
Identifiers: ClinVar variation 934399 (VCV000934399.11), dbSNP rs1559352517, ClinGen allele CA349017376.